The following is an entry in ClinVar:

NM_000066.4(C8B):c.310G>A (p.Asp104Asn)

Gene: C8B (complement C8 beta chain; minus strand). Cytogenetic location: 1p32.2.
Variant type: single nucleotide variant.
Coding change: c.310G>A on transcript NM_000066.4 (MANE Select); coding-DNA position 310, G replaced by A.
Protein change: p.Asp104Asn; replaces aspartic acid 104 with asparagine.
Molecular consequence: missense variant.
Genome position (GRCh38, 1-based): chr1:56,956,850, C>T on the plus strand (G>A on the coding strand, the complement: C8B is on the minus strand). VCF-style: chr1-56956850-C-T. GRCh37 (hg19) VCF-style: chr1-57422523-C-T.
Other names: c.154G>A, p.Asp52Asn (NM_001278543.2); c.124G>A, p.Asp42Asn (NM_001278544.2); short protein forms D52N, D104N, D42N.
Identifiers: ClinVar variation 1512066 (VCV001512066.8), dbSNP rs969282586, ClinGen allele CA340510642.

ClinVar aggregate classification (germline): Uncertain significance (1 of 4 stars; one submission).

Submission:

Labcorp Genetics (formerly Invitae), Labcorp
Classification: Uncertain significance. Last evaluated: 2022-06-13. Review status: criteria provided, single submitter. Criteria: Invitae Variant Classification Sherloc (09022015). Collection method: clinical testing. Allele origin: germline.
Comment: In summary, the available evidence is currently insufficient to determine the role of this variant in disease. Therefore, it has been classified as a Variant of Uncertain Significance. Algorithms developed to predict the effect of missense changes on protein structure and function are either unavailable or do not agree on the potential impact of this missense change (SIFT: "Tolerated"; PolyPhen-2: "Probably Damaging"; Align-GVGD: "Class C0"). This variant has not been reported in the literature in individuals affected with C8B-related conditions. This variant is not present in population databases (gnomAD no frequency). This sequence change replaces aspartic acid, which is acidic and polar, with asparagine, which is neutral and polar, at codon 104 of the C8B protein (p.Asp104Asn).